The following is an entry in ClinVar:

ClinVar aggregate classification (germline): Conflicting classifications of pathogenicity. Review status: criteria provided, conflicting classifications (1 of 4 stars). 7 submissions from 7 submitters: Likely pathogenic (2); Uncertain significance (4). 1 of the submissions does not count toward it. Last evaluated 2026-03-26.

Conditions:
ACADM-related disorder. Also called: ACADM-related condition.
Medium-chain acyl-coenzyme A dehydrogenase deficiency (ACADMD). Also called: MCADD; CARNITINE DEFICIENCY SECONDARY TO MEDIUM-CHAIN ACYL-CoA DEHYDROGENASE DEFICIENCY; MCADH DEFICIENCY; Medium chain acyl-CoA dehydrogenase deficiency; MCAD Deficiency; ACADM DEFICIENCY. Identifiers: Orphanet 42, MedGen C0220710, MONDO:0008721, OMIM 201450.

Allele frequency attached by ClinVar (database versions not stated): ExAC 0.00001; gnomAD exomes 0.00001 and 0.00002; gnomAD 0.00003 and 0.00004; TOPMed 0.00004.
gnomAD v4.1: 12 of 1,608,420 alleles (0.00075%); highest among the groups gnomAD compares: African/African-American, 0.0067%; no homozygotes.

Submissions (7):

Myriad Genetics, Inc.
Classification: Uncertain significance for Medium-chain acyl-coenzyme A dehydrogenase deficiency. Last evaluated: 2026-03-26. Review status: criteria provided, single submitter. Criteria: Myriad Autosomal Dominant, Autosomal Recessive and X-Linked Classification Criteria (2023). Collection method: clinical testing. Allele origin: unknown.
Comment: NM_000016.4(ACADM):c.388-5G>A is an intronic variant classified as a variant of uncertain significance in the context of medium-chain acyl-CoA dehydrogenase deficiency. c.388-5G>A has been observed in cases with relevant disease (PMID: 21083904, 27308838). Relevant functional assessments of this variant are not available in the literature. c.388-5G>A has been observed in referenced population frequency databases. In summary, there is insufficient evidence to classify NM_000016.4(ACADM):c.388-5G>A as pathogenic or benign. Please note: this variant was assessed in the context of healthy population screening.

PreventionGenetics, part of Exact Sciences
Classification: Likely pathogenic for ACADM-related condition. Last evaluated: 2026-03-19. Review status: criteria provided, single submitter. Criteria: ACMG Guidelines, 2015. Collection method: clinical testing. Allele origin: germline.
Comment: The ACADM c.388-5G>A variant is predicted to interfere with splicing. This variant has been reported in the compound heterozygous state in several individuals with biochemical features consistent with medium chain acyl-CoA dehydrogenase deficiency (MCADD, Kennedy et al. 2010. PubMed ID: 21083904; PreventionGenetics Internal data) and has been noted in a cohort of individuals with inborn errors of metabolism (IEM, Adhikari et al. 2020. PubMed ID: 32778825). This variant is predicted to alter splicing based on available splicing prediction programs (SpliceAI, Jaganathan et al. 2019. PubMed ID: 30661751). Moreover, a different variant affecting this splice site was detected in multiple patients and was shown to lead to abnormal splicing and nonsense meditated decay (c.388-19T>A, Andresen. 2012. PubMed ID: 22542437). The c.388-5G>A variant is reported in 0.012% of alleles in individuals of African descent in gnomAD and has conflicting classifications in ClinVar ranging from uncertain to likely pathogenic (Variation ID: 281016). This variant is interpreted as likely pathogenic.

Labcorp Genetics (formerly Invitae), Labcorp
Classification: Likely pathogenic for Medium-chain acyl-coenzyme A dehydrogenase deficiency. Last evaluated: 2026-02-02. Review status: criteria provided, single submitter. Criteria: Invitae Variant Classification Sherloc (09022015). Collection method: clinical testing. Allele origin: germline.
Comment: This sequence change falls in intron 5 of the ACADM gene. It does not directly change the encoded amino acid sequence of the ACADM protein. The frequency data for this variant in the population databases is considered unreliable, as metrics indicate poor data quality at this position in the gnomAD database. This variant has been observed in individual(s) with MCAD deficiency (PMID: 21083904; internal data). In at least one individual the data is consistent with being in trans (on the opposite chromosome) from a pathogenic variant. ClinVar contains an entry for this variant (Variation ID: 281016). Algorithms developed to predict the effect of sequence changes on RNA splicing suggest that this variant may disrupt the consensus splice site. In summary, the currently available evidence indicates that the variant is pathogenic, but additional data are needed to prove that conclusively. Therefore, this variant has been classified as Likely Pathogenic.

Women's Health and Genetics/Laboratory Corporation of America, LabCorp
Classification: Uncertain significance. Last evaluated: 2025-06-04. Review status: criteria provided, single submitter. Criteria: LabCorp Variant Classification Summary - May 2015. Collection method: clinical testing. Allele origin: germline.
Comment: Variant summary: ACADM c.388-5G>A alters a nucleotide located at a position not widely known to affect splicing. Several computational tools predict a significant impact on normal splicing: Four predict the variant creates a 3 acceptor site. Two predict the variant abolishes a 3 acceptor site. One predict the variant weakens a 3 acceptor site. However, these predictions have yet to be confirmed by functional studies. The variant allele was found at a frequency of 1.6e-05 in 250272 control chromosomes. c.388-5G>A has been observed in individual(s) affected with Medium Chain Acyl-CoA Dehydrogenase Deficiency (Kennedy_2010, internal_testing). These data indicate that the variant may be associated with disease. To our knowledge, no experimental evidence demonstrating an impact on protein function has been reported. The following publications have been ascertained in the context of this evaluation (PMID: 32778825, 21083904). ClinVar contains an entry for this variant (Variation ID: 281016). Based on the evidence outlined above, the variant was classified as VUS-possibly pathogenic.

GeneDx
Classification: Uncertain significance. Last evaluated: 2020-01-22. Review status: criteria provided, single submitter. Criteria: GeneDx Variant Classification Process June 2021. Collection method: clinical testing. Allele origin: germline. Affected: yes.
Comment: In silico analysis, which includes splice predictors and evolutionary conservation, supports a deleterious effect; Not observed at a significant frequency in large population cohorts (Lek et al., 2016); This variant is associated with the following publications: (PMID: 21083904)

Eurofins Ntd Llc (ga)
Classification: Uncertain significance. Last evaluated: 2015-10-01. Review status: criteria provided, single submitter. Criteria: EGL Classification Definitions 2015. Collection method: clinical testing. Allele origin: germline. Observed: 1 variant allele, 1 heterozygote.

Counsyl
Classification: Uncertain significance for Medium-chain acyl-coenzyme A dehydrogenase deficiency. Last evaluated: 2017-01-19. Review status: no assertion criteria provided. Collection method: clinical testing. Allele origin: unknown. Not counted in ClinVar's aggregate classification.

Literature cited by the submitters: PubMed 21083904 (cited by 4 submitters); PubMed 27308838 (cited by Myriad Genetics, Inc.); PubMed 32778825 (cited by Women's Health and Genetics/Laboratory Corporation of America, LabCorp).

NM_000016.6(ACADM):c.388-5G>A

Gene: ACADM (acyl-CoA dehydrogenase medium chain; plus strand). Cytogenetic location: 1p31.1.
Variant type: single nucleotide variant.
Coding change: c.388-5G>A on transcript NM_000016.6 (MANE Select); 5 bases into the intron before coding-DNA position 388, G replaced by A.
Molecular consequence: intron variant.
Genome position (GRCh38, 1-based): chr1:75,734,786, G>A. VCF-style: chr1-75734786-G-A. GRCh37 (hg19) VCF-style: chr1-76200471-G-A.
Other names: c.400-5G>A (NM_001127328.3); c.487-5G>A (NM_001286043.2); c.280-5G>A (NM_001286042.2); c.-100+1864G>A (NM_001286044.2).
Identifiers: ClinVar variation 281016 (VCV000281016.18), dbSNP rs759254037, ClinGen allele CA913091.